The following is an entry in ClinVar:

NM_001039660.2(IL18BP):c.524C>T (p.Thr175Ile)

Gene: IL18BP (interleukin 18 binding protein; plus strand). Cytogenetic location: 11q13.4.
Variant type: single nucleotide variant.
Coding change: c.524C>T on transcript NM_001039660.2 (MANE Select); coding-DNA position 524, C replaced by T.
Protein change: p.Thr175Ile; replaces threonine 175 with isoleucine.
Molecular consequence: missense variant. On other transcripts: synonymous variant (2), 3 prime UTR variant (1).
Genome position (GRCh38, 1-based): chr11:72,001,800, C>T. VCF-style: chr11-72001800-C-T. GRCh37 (hg19) VCF-style: chr11-71712846-C-T.
Other names: c.524C>T, p.Thr175Ile (NM_001039659.2, NM_001145057.1, NM_173042.2); c.252C>T, p.Asn84= (NM_001145055.1); c.*155C>T (NM_005699.3); c.396C>T, p.Asn132= (NM_173044.3); short protein forms T175I.
Identifiers: ClinVar variation 2870340 (VCV002870340.3), dbSNP rs772045456, ClinGen allele CA6166299.

ClinVar aggregate classification (germline): Uncertain significance (1 of 4 stars; one submission).

Allele frequency attached by ClinVar (database versions not stated): ExAC 0.00001; gnomAD 0.00001.
gnomAD v4.1: 6 of 1,613,998 alleles (0.00037%); highest among the groups gnomAD compares: African/African-American, 0.0027%; no homozygotes.

Submission:

Labcorp Genetics (formerly Invitae), Labcorp
Classification: Uncertain significance. Last evaluated: 2024-02-07. Review status: criteria provided, single submitter. Criteria: Invitae Variant Classification Sherloc (09022015). Collection method: clinical testing. Allele origin: germline.
Comment: This sequence change replaces threonine, which is neutral and polar, with isoleucine, which is neutral and non-polar, at codon 175 of the IL18BP protein (p.Thr175Ile). This variant is present in population databases (rs772045456, gnomAD 0.01%). This variant has not been reported in the literature in individuals affected with IL18BP-related conditions. Algorithms developed to predict the effect of missense changes on protein structure and function output the following: SIFT: "Not Available"; PolyPhen-2: "Benign"; Align-GVGD: "Not Available". The isoleucine amino acid residue is found in multiple mammalian species, which suggests that this missense change does not adversely affect protein function. In summary, the available evidence is currently insufficient to determine the role of this variant in disease. Therefore, it has been classified as a Variant of Uncertain Significance.